The following is an entry in ClinVar:

ClinVar aggregate classification (germline): Uncertain significance (1 of 4 stars; one submission).

Submission:

GeneDx
Classification: Uncertain significance. Last evaluated: 2026-01-12. Review status: criteria provided, single submitter. Criteria: GeneDx Variant Classification Process June 2021. Collection method: clinical testing. Allele origin: germline.
Comment: Not observed at significant frequency in large population cohorts (gnomAD); In silico analysis supports that this missense variant has a deleterious effect on protein structure/function; Has not been previously published as pathogenic or benign to our knowledge

NM_014727.3(KMT2B):c.7814C>T (p.Ser2605Phe)

Gene: KMT2B (lysine methyltransferase 2B; plus strand). Cytogenetic location: 19q13.12.
Variant type: single nucleotide variant.
Coding change: c.7814C>T on transcript NM_014727.3 (MANE Select); coding-DNA position 7814, C replaced by T.
Protein change: p.Ser2605Phe; replaces serine 2605 with phenylalanine.
Molecular consequence: missense variant.
Genome position (GRCh38, 1-based): chr19:35,738,133, C>T. VCF-style: chr19-35738133-C-T. GRCh37 (hg19) VCF-style: chr19-36229034-C-T.
Other names: short protein forms S2605F.
Identifiers: ClinVar variation 3368601 (VCV003368601.2).